The following is an entry in ClinVar:

NM_001382548.1(TCERG1):c.621T>C (p.Ala207=)

Gene: TCERG1 (transcription elongation regulator 1; plus strand). Cytogenetic location: 5q32.
Variant type: single nucleotide variant.
Coding change: c.621T>C on transcript NM_001382548.1 (MANE Select); coding-DNA position 621, T replaced by C.
Protein change: p.Ala207=; no amino-acid change (alanine 207 retained).
Molecular consequence: synonymous variant. On other transcripts: non-coding transcript variant (52), intron variant (3).
Genome position (GRCh38, 1-based): chr5:146,459,066, T>C. VCF-style: chr5-146459066-T-C. GRCh37 (hg19) VCF-style: chr5-145838629-T-C.
Other names: c.594+27T>C (NM_001400098.1); c.577-34T>C (NM_001400083.1); c.558+63T>C (NM_001400096.1); c.621T>C, p.Ala207= (NM_001040006.2, NM_001400077.1, NM_001400084.1 and 7 more transcripts); c.564T>C, p.Ala188= (NM_001400082.1); c.561T>C, p.Ala187= (NM_001400092.1).
Identifiers: ClinVar variation 2655879 (VCV002655879.24), dbSNP rs183780634, ClinGen allele CA3491473.

ClinVar aggregate classification (germline): Likely benign (1 of 4 stars; one submission).

Allele frequency attached by ClinVar (database versions not stated): ExAC 0.00010.

Submission:

CeGaT Center for Human Genetics Tuebingen
Classification: Likely benign. Last evaluated: 2023-02-01. Review status: criteria provided, single submitter. Criteria: CeGaT Center For Human Genetics Tuebingen Variant Classification Criteria Version 2. Collection method: clinical testing. Allele origin: germline. Affected: yes. Observed: 1 variant allele.
Comment: TCERG1: BP4, BP7